The following is an entry in ClinVar:

ClinVar aggregate classification (germline): Likely pathogenic. Review status: criteria provided, multiple submitters, no conflicts (2 of 4 stars). 2 submissions from 2 submitters: Likely pathogenic (2). Last evaluated 2024-12-16.

Conditions:
Lethal congenital contractural syndrome Finnish type.

Submissions (2):

Natera, Inc.
Classification: Likely pathogenic for Lethal congenital contractural syndrome Finnish type. Last evaluated: 2024-12-16. Review status: criteria provided, single submitter. Criteria: Natera Variant Classification Schema (03/2026). Collection method: clinical testing. Allele origin: germline.
Comment: The c.769_782delCAGCTCAGCCAGCA variant in GLE1 is a frameshift variant predicted to shift the reading frame beginning at codon 257 and leads to a stop codon 5 codons downstream. This variant is expected to result in nonsense mediated decay, truncation, or a dysfunctional protein product. This variant is rare in the general population with a frequency below the threshold expected for the associated phenotype(s). Given the available evidence, this variant is classified as Likely Pathogenic.

Revvity Omics, Revvity
Classification: Likely pathogenic. Last evaluated: 2024-01-30. Review status: criteria provided, single submitter. Criteria: ACMG Guidelines, 2015. Collection method: clinical testing. Allele origin: germline.

NM_001003722.2(GLE1):c.769_782del (p.Gln257fs)

Gene: GLE1 (GLE1 RNA export mediator; plus strand). Cytogenetic location: 9q34.11.
Variant type: Deletion.
Coding change: c.769_782del on transcript NM_001003722.2 (MANE Select); coding-DNA positions 769 to 782, 14 bases deleted (CAGCTCAGCCAGCA).
Protein change: p.Gln257fs; shifts the reading frame from glutamine 257.
Molecular consequence: frameshift variant.
Genome position (GRCh38, 1-based): chr9:128,523,718-128,523,731, CAGCTCAGCCAGCA deleted. VCF-style (leftmost placement, unchanged base first): chr9-128523717-GCAGCTCAGCCAGCA-G. GRCh37 (hg19) VCF-style: chr9-131285996-GCAGCTCAGCCAGCA-G.
Other names: c.769_782del, p.Gln257fs (NM_001411013.1, NM_001499.2); short protein forms Q257fs.
Identifiers: ClinVar variation 4081426 (VCV004081426.1).